The following is an entry in ClinVar:

NM_201525.4(ADGRG1):c.487A>C (p.Ser163Arg)

Gene: ADGRG1 (adhesion G protein-coupled receptor G1; plus strand). Cytogenetic location: 16q21.
Variant type: single nucleotide variant.
Coding change: c.487A>C on transcript NM_201525.4 (MANE Select); coding-DNA position 487, A replaced by C.
Protein change: p.Ser163Arg; replaces serine 163 with arginine.
Molecular consequence: missense variant. On other transcripts: 5 prime UTR variant (5), intron variant (1).
Genome position (GRCh38, 1-based): chr16:57,651,622, A>C. VCF-style: chr16-57651622-A-C. GRCh37 (hg19) VCF-style: chr16-57685534-A-C.
Other names: p.Ser163Arg; c.487A>C, p.Ser163Arg (NM_001145770.3, NM_001145771.3, NM_001145772.3 and 16 more transcripts); c.502A>C, p.Ser168Arg (NM_001145773.3, NM_001370433.1); c.-39A>C (NM_001290143.2, NM_001290144.2, NM_001370451.1 and 2 more transcripts); c.331A>C, p.Ser111Arg (NM_001370442.1); c.110+377A>C (NM_001290142.2); short protein forms S163R, S111R, S168R.
Identifiers: ClinVar variation 287269 (VCV000287269.21), dbSNP rs373741981, ClinGen allele CA8078376.

ClinVar aggregate classification (germline): Conflicting classifications of pathogenicity. Review status: criteria provided, conflicting classifications (1 of 4 stars). 9 submissions from 9 submitters: Uncertain significance (8); Likely benign (1). Last evaluated 2026-03-10.

Conditions:
ADGRG1-related disorder. Also called: ADGRG1-related condition.
Bilateral frontoparietal polymicrogyria. Also called: CEREBELLAR ATAXIA WITH NEURONAL MIGRATION DEFECT; CORTICAL DYSPLASIA, COMPLEX, WITH OTHER BRAIN MALFORMATIONS 14A (BILATERAL FRONTOPARIETAL). Identifiers: Orphanet 101070, MedGen C1847352, MONDO:0011738, OMIM 606854.

Allele frequency attached by ClinVar (database versions not stated): gnomAD exomes 0.00001; ExAC 0.00004; TOPMed 0.00008; gnomAD 0.00011 and 0.00012.
gnomAD v4.1: 59 of 1,613,406 alleles (0.0037%); highest among the groups gnomAD compares: Admixed American, 0.023%; no homozygotes.

Submissions (9):

PreventionGenetics, part of Exact Sciences
Classification: Uncertain significance for ADGRG1-related condition. Last evaluated: 2026-03-10. Review status: criteria provided, single submitter. Criteria: ACMG Guidelines, 2015. Collection method: clinical testing. Allele origin: germline.
Comment: The ADGRG1 c.487A>C variant is predicted to result in the amino acid substitution p.Ser163Arg. To our knowledge, this variant has not been reported in the literature. This variant is reported in 0.0050% of alleles in individuals of East Asian descent in gnomAD. At this time, the clinical significance of this variant is uncertain due to the absence of conclusive functional and genetic evidence.

Mayo Clinic Laboratories, Mayo Clinic
Classification: Uncertain significance. Last evaluated: 2025-09-04. Review status: criteria provided, single submitter. Criteria: ACMG Guidelines, 2015. Collection method: clinical testing. Allele origin: germline. Observed: 1 variant allele.
Comment: BP4_moderate, PM2_supporting

Blueprint Genetics
Classification: Uncertain significance. Last evaluated: 2024-10-23. Review status: criteria provided, single submitter. Criteria: ACMG Guidelines, 2015. Collection method: clinical testing. Allele origin: germline.

Labcorp Genetics (formerly Invitae), Labcorp
Classification: Uncertain significance. Last evaluated: 2022-08-16. Review status: criteria provided, single submitter. Criteria: Invitae Variant Classification Sherloc (09022015). Collection method: clinical testing. Allele origin: germline.
Comment: This sequence change replaces serine, which is neutral and polar, with arginine, which is basic and polar, at codon 163 of the ADGRG1 protein (p.Ser163Arg). This variant is present in population databases (rs373741981, gnomAD 0.01%). This variant has not been reported in the literature in individuals affected with ADGRG1-related conditions. ClinVar contains an entry for this variant (Variation ID: 287269). Algorithms developed to predict the effect of missense changes on protein structure and function output the following: SIFT: "Tolerated"; PolyPhen-2: "Benign"; Align-GVGD: "Class C0". The arginine amino acid residue is found in multiple mammalian species, which suggests that this missense change does not adversely affect protein function. In summary, the available evidence is currently insufficient to determine the role of this variant in disease. Therefore, it has been classified as a Variant of Uncertain Significance.

Revvity Omics, Revvity
Classification: Uncertain significance. Last evaluated: 2022-03-21. Review status: criteria provided, single submitter. Criteria: ACMG Guidelines, 2015. Collection method: clinical testing. Allele origin: germline.

GeneDx
Classification: Likely benign. Last evaluated: 2020-03-25. Review status: criteria provided, single submitter. Criteria: GeneDx Variant Classification Process June 2021. Collection method: clinical testing. Allele origin: germline. Affected: yes.

Genetic Services Laboratory, University of Chicago
Classification: Uncertain significance. Last evaluated: 2018-08-24. Review status: criteria provided, single submitter. Criteria: ACMG Guidelines, 2015. Collection method: clinical testing. Allele origin: germline. Affected: no.

Illumina Laboratory Services, Illumina
Classification: Uncertain significance for Bilateral frontoparietal polymicrogyria. Last evaluated: 2018-01-13. Review status: criteria provided, single submitter. Criteria: ICSL Variant Classification Criteria 13 December 2019. Collection method: clinical testing. Allele origin: germline.

Eurofins Ntd Llc (ga)
Classification: Uncertain significance. Last evaluated: 2016-04-12. Review status: criteria provided, single submitter. Criteria: EGL Classification Definitions 2015. Collection method: clinical testing. Allele origin: germline. Observed: 1 variant allele, 1 heterozygote.